The following is an entry in ClinVar:

ClinVar aggregate classification (germline): Uncertain significance (1 of 4 stars; one submission).

gnomAD v4.1: 22 of 1,613,924 alleles (0.0014%); highest among the groups gnomAD compares: African/African-American, 0.024%; no homozygotes.

Submission:

Mayo Clinic Laboratories, Mayo Clinic
Classification: Uncertain significance. Last evaluated: 2025-09-10. Review status: criteria provided, single submitter. Criteria: ACMG Guidelines, 2015. Collection method: clinical testing. Allele origin: germline. Observed: 1 variant allele.
Comment: PP3_moderate, PM2_supporting

NM_001135254.2(PAX7):c.365A>G (p.Lys122Arg)

Gene: PAX7 (paired box 7; plus strand). Cytogenetic location: 1p36.13.
Variant type: single nucleotide variant.
Coding change: c.365A>G on transcript NM_001135254.2 (MANE Select); coding-DNA position 365, A replaced by G.
Protein change: p.Lys122Arg; replaces lysine 122 with arginine.
Molecular consequence: missense variant.
Genome position (GRCh38, 1-based): chr1:18,635,154, A>G. VCF-style: chr1-18635154-A-G. GRCh37 (hg19) VCF-style: chr1-18961648-A-G.
Other names: p.Lys122Arg; c.365A>G, p.Lys122Arg (NM_002584.3, NM_013945.3); short protein forms K122R.
Identifiers: ClinVar variation 4540841 (VCV004540841.1).
Genomic context (GRCh38, chr1:18,635,154, plus strand): 5'-CACCTCCACCTCTGAAGCAGGTGGCGACTCCGGATGTAGAGAAAAAGATTGAGGAGTACA[A>G]GAGGGAAAACCCAGGCATGTTCAGCTGGGAGATCCGGGACAGGCTGCTGAAGGATGGGCA-3'
Protein context (NP_001128726.1, residues 112-132): PDVEKKIEEY[Lys122Arg]RENPGMFSWE